The following is an entry in ClinVar:

NM_000208.4(INSR):c.1080C>T (p.Cys360=)

Gene: INSR (insulin receptor; minus strand). Cytogenetic location: 19p13.2.
Variant type: single nucleotide variant.
Coding change: c.1080C>T on transcript NM_000208.4 (MANE Select); coding-DNA position 1080, C replaced by T.
Protein change: p.Cys360=; no amino-acid change (cysteine 360 retained).
Molecular consequence: synonymous variant.
Genome position (GRCh38, 1-based): chr19:7,174,626, G>A on the plus strand (C>T on the coding strand, the complement: INSR is on the minus strand). VCF-style: chr19-7174626-G-A. GRCh37 (hg19) VCF-style: chr19-7174637-G-A.
Other names: c.1080C>T, p.Cys360= (NM_001079817.3).
Identifiers: ClinVar variation 211187 (VCV000211187.34), dbSNP rs56066516, ClinGen allele CA209915.

ClinVar aggregate classification (germline): Benign/Likely benign. Review status: criteria provided, multiple submitters, no conflicts (2 of 4 stars). 13 submissions from 11 submitters: Benign (1); Likely benign (9). 3 of the submissions do not count toward it. Last evaluated 2025-11-17.

Conditions:
INSR-related disorder.
Hyperinsulinism due to INSR deficiency. Also called: Hyperinsulinism due to glutamodehydrogenase deficiency. Identifiers: Orphanet 263458, MedGen C1864952, MONDO:0012381, OMIM 609968.
Insulin-resistant diabetes mellitus AND acanthosis nigricans. Also called: type A insulin resistance; DIABETES MELLITUS, INSULIN-RESISTANT, WITH ACANTHOSIS NIGRICANS, TYPE A; Insulin-resistance syndrome type A; INSULIN RECEPTOR, DEFECT IN, WITH INSULIN-RESISTANT DIABETES MELLITUS AND ACANTHOSIS NIGRICANS; IRAN, TYPE A. Identifiers: Orphanet 2297, MedGen C0342278, MONDO:0012520, OMIM 610549.
Rabson-Mendenhall syndrome. Also called: Pineal hyperplasia AND diabetes mellitus syndrome; Pineal Hyperplasia, Insulin-Resistant Diabetes Mellitus, and Somatic Abnormalities; MENDENHALL SYNDROME. Identifiers: Orphanet 769, MedGen C0271695, MONDO:0009874, OMIM 262190.
Leprechaunism syndrome. Also called: Donohue syndrome; LEPRECHAUNISM. Identifiers: Orphanet 508, MedGen C0265344, MONDO:0009517, OMIM 246200.

Allele frequency attached by ClinVar (database versions not stated): 1000 Genomes Project 30x 0.00016; gnomAD 0.00149 and 0.00183; ESP Exome Variant Server 0.00154; TOPMed 0.00169; gnomAD exomes 0.00179 and 0.00185; ExAC 0.00182.
gnomAD v4.1: 2,942 of 1,614,044 alleles (0.18%); highest among the groups gnomAD compares: Non-Finnish European, 0.18%; 5 homozygotes.

Submissions (13):

Labcorp Genetics (formerly Invitae), Labcorp
Classification: Benign. Last evaluated: 2025-11-17. Review status: criteria provided, single submitter. Criteria: Invitae Variant Classification Sherloc (09022015). Collection method: clinical testing. Allele origin: germline.

Blueprint Genetics
Classification: Likely benign. Last evaluated: 2024-11-25. Review status: criteria provided, single submitter. Criteria: ACMG Guidelines, 2015. Collection method: clinical testing. Allele origin: germline.

ARUP Laboratories, Molecular Genetics and Genomics, ARUP Laboratories
Classification: Likely benign. Last evaluated: 2019-08-28. Review status: criteria provided, single submitter. Criteria: ARUP Molecular Germline Variant Investigation Process. Collection method: clinical testing. Allele origin: germline.

Illumina Laboratory Services, Illumina
Classification: Likely benign for Insulin-resistant diabetes mellitus AND acanthosis nigricans. Last evaluated: 2018-01-12. Review status: criteria provided, single submitter. Criteria: ICSL Variant Classification Criteria 13 December 2019. Collection method: clinical testing. Allele origin: germline.
Comment: This variant was observed in the ICSL laboratory as part of a predisposition screen in an ostensibly healthy population. It had not been previously curated by ICSL or reported in the Human Gene Mutation Database (HGMD: prior to June 1st, 2018), and was therefore a candidate for classification through an automated scoring system. Utilizing variant allele frequency, disease prevalence and penetrance estimates, and inheritance mode, an automated score was calculated to assess if this variant is too frequent to cause the disease. Based on the score and internal cut-off values, a variant classified as likely benign is not then subjected to further curation. The score for this variant resulted in a classification of likely benign for this disease.

Illumina Laboratory Services, Illumina
Classification: Likely benign for Leprechaunism syndrome. Last evaluated: 2018-01-12. Review status: criteria provided, single submitter. Criteria: ICSL Variant Classification Criteria 13 December 2019. Collection method: clinical testing. Allele origin: germline.
Comment: the same text as in the submission from Illumina Laboratory Services, Illumina above.

Illumina Laboratory Services, Illumina
Classification: Likely benign for Rabson-Mendenhall syndrome. Last evaluated: 2018-01-12. Review status: criteria provided, single submitter. Criteria: ICSL Variant Classification Criteria 13 December 2019. Collection method: clinical testing. Allele origin: germline.
Comment: the same text as in the submission from Illumina Laboratory Services, Illumina above.

Eurofins Ntd Llc (ga)
Classification: Likely benign. Last evaluated: 2017-09-22. Review status: criteria provided, single submitter. Criteria: EGL Classification Definitions 2015. Collection method: clinical testing. Allele origin: germline. Observed: 2 variant alleles, 2 heterozygotes.

Genetic Services Laboratory, University of Chicago
Classification: Likely benign. Last evaluated: 2016-08-09. Review status: criteria provided, single submitter. Criteria: ACMG Guidelines, 2015. Collection method: clinical testing. Allele origin: germline. Affected: no.

Breakthrough Genomics
Classification: Likely benign. Review status: criteria provided, single submitter. Criteria: ACMG Guidelines, 2015. Collection method: not provided. Allele origin: germline. Inheritance: Autosomal recessive inheritance. Affected: yes.

Clinical Genomics, Uppaluri K&H Personalized Medicine Clinic
Classification: Likely benign for Hyperinsulinism due to INSR deficiency. Review status: criteria provided, single submitter. Criteria: K And H Uppaluri Personalized Medicine Clinic Variant Classification And Assertion Criteria Updated V 2. Collection method: research. Allele origin: unknown. Inheritance: Autosomal dominant inheritance.
Comment: Potent mutations in INSR gene can lead to insulin resistance, which presents as impaired glucose tolerance, early onset type 2 diabetes, post prandial hyperglycemia and increased insulin requirement in type 1 diabetes. These mutations in INSR gene can also predispose to coronary artery disease, metabolic syndrome, polycystic ovarian disease and non alcoholic fatty liver disease.However, the role of this particular variant rs56066516 with early onset diabetes mellitus is yet to be ascertained.

PreventionGenetics, part of Exact Sciences
Classification: Benign for INSR-related condition. Last evaluated: 2021-07-21. Review status: no assertion criteria provided. Collection method: clinical testing. Allele origin: germline. Not counted in ClinVar's aggregate classification.
Comment: This variant is classified as benign based on ACMG/AMP sequence variant interpretation guidelines (Richards et al. 2015 PMID: 25741868, with internal and published modifications).

Genome Diagnostics Laboratory, University Medical Center Utrecht
Classification: Likely benign. Review status: no assertion criteria provided. Collection method: clinical testing. Allele origin: germline. Affected: yes. Study: VKGL Data-share Consensus. Not counted in ClinVar's aggregate classification.

Laboratory of Diagnostic Genome Analysis, Leiden University Medical Center (LUMC)
Classification: Likely benign. Review status: no assertion criteria provided. Collection method: clinical testing. Allele origin: germline. Affected: yes. Study: VKGL Data-share Consensus. Not counted in ClinVar's aggregate classification.

Literature cited by the submitters: PubMed 35000900 (cited by Clinical Genomics, Uppaluri K&H Personalized Medicine Clinic); PubMed 31989990 (cited by Clinical Genomics, Uppaluri K&H Personalized Medicine Clinic); PubMed 23705494 (cited by Clinical Genomics, Uppaluri K&H Personalized Medicine Clinic).